The following is an entry in ClinVar:

ClinVar aggregate classification (germline): Uncertain significance (1 of 4 stars; one submission).

Conditions:
Leukoencephalopathy, progressive, with ovarian failure (LKENP). Identifiers: Orphanet 99853, MedGen C4014588, MONDO:0014387, OMIM 615889.

Submission:

Victorian Clinical Genetics Services, Murdoch Childrens Research Institute
Classification: Uncertain significance for Leukoencephalopathy, progressive, with ovarian failure. Last evaluated: 2022-06-24. Review status: criteria provided, single submitter. Criteria: ACMG Guidelines, 2015. Collection method: clinical testing. Allele origin: germline. Inheritance: Autosomal recessive inheritance. Affected: yes.
Comment: Based on the classification scheme VCGS_Germline_v1.3.4, this variant is classified as VUS-3A. Following criteria are met: 0102 - Loss of function is a known mechanism of disease in this gene and is associated with combined oxidative phosphorylation deficiency 8 (MIM#614096) and leukoencephalopathy, progressive, with ovarian failure (MIM#615889). (I) 0106 - This gene is associated with autosomal recessive disease. (I) 0200 - Variant is predicted to result in a missense amino acid change from asparagine to tyrosine. (I) 0251 - This variant is heterozygous. (I) 0301 - Variant is absent from gnomAD (both v2 and v3). (SP) 0309 - An alternative amino acid change at the same position has been observed in gnomAD (v3) (2 heterozygotes, 0 homozygotes). (I) 0502 - Missense variant with conflicting in silico predictions and uninformative conservation. (I) 0600 - Variant is located in the annotated tRNA synthetases class II domain. (I) 0705 - No comparable missense variants have previous evidence for pathogenicity. (I) 0807 - This variant has no previous evidence of pathogenicity. (I) 0905 - No published segregation evidence has been identified for this variant. (I) 1007 - No published functional evidence has been identified for this variant. (I) 1201 - Heterozygous variant detected in trans with a second pathogenic heterozygous variant (p.(Leu30Argfs*14)) in a recessive disease. (I) Legend: (SP) - Supporting pathogenic, (I) - Information, (SB) - Supporting benign

NM_020745.4(AARS2):c.1687A>T (p.Asn563Tyr)

Gene: AARS2 (alanyl-tRNA synthetase 2, mitochondrial; minus strand). Cytogenetic location: 6p21.1.
Variant type: single nucleotide variant.
Coding change: c.1687A>T on transcript NM_020745.4 (MANE Select); coding-DNA position 1687, A replaced by T.
Protein change: p.Asn563Tyr; replaces asparagine 563 with tyrosine.
Molecular consequence: missense variant.
Genome position (GRCh38, 1-based): chr6:44,304,710, T>A on the plus strand (A>T on the coding strand, the complement: AARS2 is on the minus strand). VCF-style: chr6-44304710-T-A. GRCh37 (hg19) VCF-style: chr6-44272447-T-A.
Other names: short protein forms N563Y.
Identifiers: ClinVar variation 1699302 (VCV001699302.3), dbSNP rs2153354521, ClinGen allele CA364338495.